The following is an entry in ClinVar:

NM_002508.3(NID1):c.477C>T (p.Ser159=)

Gene: NID1 (nidogen 1; minus strand). Cytogenetic location: 1q42.3.
Variant type: single nucleotide variant.
Coding change: c.477C>T on transcript NM_002508.3 (MANE Select); coding-DNA position 477, C replaced by T.
Protein change: p.Ser159=; no amino-acid change (serine 159 retained).
Molecular consequence: synonymous variant.
Genome position (GRCh38, 1-based): chr1:236,048,738, G>A on the plus strand (C>T on the coding strand, the complement: NID1 is on the minus strand). VCF-style: chr1-236048738-G-A. GRCh37 (hg19) VCF-style: chr1-236212038-G-A.
Identifiers: ClinVar variation 675852 (VCV000675852.2), dbSNP rs6665008, ClinGen allele CA1468857.
Genomic context (GRCh38, chr1:236,048,738, plus strand): 5'-AGGGGAGCTTACCTTGCCTTTCTGGTCTGGGTCCCTGCTGGGCCCTTGGTAGGGGGCCAC[G>A]GATTCCCAAGTGACAACCACCGCGCTACTAGGCTGGAAAGAGATCTCCGGGAACCCTCTG-3'
Protein context (NP_002499.2, residues 149-169): PSSAVVVTWE[Ser159=]VAPYQGPSRD

ClinVar aggregate classification (germline): Benign. Review status: criteria provided, multiple submitters, no conflicts (2 of 4 stars). 2 submissions from 2 submitters: Benign (2). Last evaluated 2018-06-19.

Allele frequency attached by ClinVar (database versions not stated): 1000 Genomes Project 0.05851; 1000 Genomes Project 30x 0.06027; gnomAD 0.07552 and 0.07555; TOPMed 0.07625; gnomAD exomes 0.08197 and 0.09202; ExAC 0.08365; ESP Exome Variant Server 0.08519.
gnomAD v4.1: 145,799 of 1,612,618 alleles (9%); highest among the groups gnomAD compares: Middle Eastern, 14%; 7,419 homozygotes.

Submissions (2):

GeneDx
Classification: Benign. Last evaluated: 2018-06-19. Review status: criteria provided, single submitter. Criteria: GeneDx Variant Classification (06012015). Collection method: clinical testing. Allele origin: germline. Affected: yes.
Comment: This variant is considered likely benign or benign based on one or more of the following criteria: it is a conservative change, it occurs at a poorly conserved position in the protein, it is predicted to be benign by multiple in silico algorithms, and/or has population frequency not consistent with disease.

Breakthrough Genomics
Classification: Benign. Review status: criteria provided, single submitter. Criteria: ACMG Guidelines, 2015. Collection method: not provided. Allele origin: germline. Inheritance: Unknown mechanism. Affected: yes.